The following is an entry in ClinVar:

ClinVar aggregate classification (germline): Conflicting classifications of pathogenicity. Review status: criteria provided, conflicting classifications (1 of 4 stars). 4 submissions from 4 submitters: Uncertain significance (3); Benign (1). Last evaluated 2026-01-27.

Conditions:
Hereditary cancer-predisposing syndrome. Also called: Hereditary neoplastic syndrome; Neoplastic Syndromes, Hereditary; Tumor predisposition; Hereditary Cancer Syndrome. Identifiers: Orphanet 140162, MedGen C0027672, MeSH D009386, MONDO:0015356.
Neuroblastoma, susceptibility to, 3. Also called: ALK-Related Neuroblastic Tumor Susceptibility. Identifiers: Orphanet 635, MedGen C2751681, MONDO:0013083, OMIM 613014.

Allele frequency attached by ClinVar (database versions not stated): gnomAD 0.00003; TOPMed 0.00003; gnomAD exomes 0.00006; ExAC 0.00007; ESP Exome Variant Server 0.00008.
gnomAD v4.1: 48 of 1,614,082 alleles (0.003%); highest among the groups gnomAD compares: Admixed American, 0.012%; no homozygotes.

Submissions (4):

Labcorp Genetics (formerly Invitae), Labcorp
Classification: Uncertain significance for Neuroblastoma, susceptibility to, 3. Last evaluated: 2026-01-27. Review status: criteria provided, single submitter. Criteria: Invitae Variant Classification Sherloc (09022015). Collection method: clinical testing. Allele origin: germline.
Comment: This sequence change replaces valine, which is neutral and non-polar, with isoleucine, which is neutral and non-polar, at codon 1019 of the ALK protein (p.Val1019Ile). This variant is present in population databases (rs76742576, gnomAD 0.02%). This variant has not been reported in the literature in individuals affected with ALK-related conditions. ClinVar contains an entry for this variant (Variation ID: 470814). An algorithm developed to predict the effect of missense changes on protein structure and function outputs the following: PolyPhen-2: "Benign". The isoleucine amino acid residue is found in multiple mammalian species, which suggests that this missense change does not adversely affect protein function. In summary, the available evidence is currently insufficient to determine the role of this variant in disease. Therefore, it has been classified as a Variant of Uncertain Significance.

Ambry Genetics
Classification: Benign for Hereditary cancer-predisposing syndrome. Last evaluated: 2024-06-25. Review status: criteria provided, single submitter. Criteria: Ambry Variant Classification Scheme 2023. Collection method: clinical testing. Allele origin: germline.

Fulgent Genetics
Classification: Uncertain significance for Neuroblastoma, susceptibility to, 3. Last evaluated: 2024-02-29. Review status: criteria provided, single submitter. Criteria: ACMG Guidelines, 2015. Collection method: clinical testing. Allele origin: germline.

Baylor Genetics
Classification: Uncertain significance for Neuroblastoma, susceptibility to, 3. Last evaluated: 2024-02-06. Review status: criteria provided, single submitter. Criteria: ACMG Guidelines, 2015. Collection method: clinical testing. Allele origin: unknown. Study: CSER-TexasKidsCanSeq.

NM_004304.5(ALK):c.3055G>A (p.Val1019Ile)

Gene: ALK (ALK receptor tyrosine kinase; minus strand). Cytogenetic location: 2p23.2.
Variant type: single nucleotide variant.
Coding change: c.3055G>A on transcript NM_004304.5 (MANE Select); coding-DNA position 3055, G replaced by A.
Protein change: p.Val1019Ile; replaces valine 1019 with isoleucine.
Molecular consequence: missense variant.
Genome position (GRCh38, 1-based): chr2:29,226,934, C>T on the plus strand (G>A on the coding strand, the complement: ALK is on the minus strand). VCF-style: chr2-29226934-C-T. GRCh37 (hg19) VCF-style: chr2-29449800-C-T.
Other names: short protein forms V1019I.
Identifiers: ClinVar variation 470814 (VCV000470814.13), dbSNP rs76742576, ClinGen allele CA1594108.